The following is an entry in ClinVar:

ClinVar aggregate classification (germline): Conflicting classifications of pathogenicity. Review status: criteria provided, conflicting classifications (1 of 4 stars). 4 submissions from 4 submitters: Uncertain significance (1); Likely benign (3). Last evaluated 2026-02-19.

Conditions:
Telangiectasia, hereditary hemorrhagic, type 5 (HHT5). Identifiers: Orphanet 774, MedGen C3809710, MONDO:0014217, OMIM 615506.
Cardiovascular phenotype. Identifiers: MedGen CN230736.

Allele frequency attached by ClinVar (database versions not stated): gnomAD 0.00004; TOPMed 0.00007; ExAC 0.00012.
gnomAD v4.1: 149 of 1,613,930 alleles (0.0092%); highest among the groups gnomAD compares: East Asian, 0.27%; no homozygotes.

Submissions (4):

Ambry Genetics
Classification: Likely benign for Cardiovascular phenotype. Last evaluated: 2026-02-19. Review status: criteria provided, single submitter. Criteria: Ambry Variant Classification Scheme 2023. Collection method: clinical testing. Allele origin: germline.

Labcorp Genetics (formerly Invitae), Labcorp
Classification: Likely benign for Telangiectasia, hereditary hemorrhagic, type 5. Last evaluated: 2025-11-25. Review status: criteria provided, single submitter. Criteria: Invitae Variant Classification Sherloc (09022015). Collection method: clinical testing. Allele origin: germline.

Blueprint Genetics
Classification: Likely benign. Last evaluated: 2024-10-14. Review status: criteria provided, single submitter. Criteria: ACMG Guidelines, 2015. Collection method: clinical testing. Allele origin: germline.

ARUP Laboratories, Molecular Genetics and Genomics, ARUP Laboratories
Classification: Uncertain significance for Telangiectasia, hereditary hemorrhagic, type 5. Last evaluated: 2019-10-30. Review status: criteria provided, single submitter. Criteria: ARUP Molecular Germline Variant Investigation Process. Collection method: clinical testing. Allele origin: germline.
Comment: The GDF2 c.716C>T; p.Thr239Met variant (rs782560993), to our knowledge, is not reported in the medical literature or gene specific databases. This variant is found in the East Asian population with an allele frequency of 0.13% (25/19952 alleles) in the Genome Aggregation Database. The threonine at codon 239 is weakly conserved, and computational analyses (SIFT, PolyPhen-2) predict that this variant is tolerated. Due to limited information, the clinical significance of the p.Thr239Met variant is uncertain at this time.

NM_016204.4(GDF2):c.716C>T (p.Thr239Met)

Gene: GDF2 (growth differentiation factor 2; plus strand). Cytogenetic location: 10q11.22.
Variant type: single nucleotide variant.
Coding change: c.716C>T on transcript NM_016204.4 (MANE Select); coding-DNA position 716, C replaced by T.
Protein change: p.Thr239Met; replaces threonine 239 with methionine.
Molecular consequence: missense variant.
Genome position (GRCh38, 1-based): chr10:47,325,210, C>T. VCF-style: chr10-47325210-C-T. GRCh37 (hg19) VCF-style: chr10-48414152-G-A.
Other names: c.716C>T (NM_016204.1); short protein forms T239M.
Identifiers: ClinVar variation 698369 (VCV000698369.18), dbSNP rs782560993, ClinGen allele CA5488042.